The following is an entry in ClinVar:

NM_207037.2(TCF12):c.296C>T (p.Pro99Leu)

Gene: TCF12 (transcription factor 12; plus strand). Cytogenetic location: 15q21.3.
Variant type: single nucleotide variant.
Coding change: c.296C>T on transcript NM_207037.2 (MANE Select); coding-DNA position 296, C replaced by T.
Protein change: p.Pro99Leu; replaces proline 99 with leucine.
Molecular consequence: missense variant. On other transcripts: 5 prime UTR variant (1).
Genome position (GRCh38, 1-based): chr15:57,091,862, C>T. VCF-style: chr15-57091862-C-T. GRCh37 (hg19) VCF-style: chr15-57384060-C-T.
Other names: c.296C>T, p.Pro99Leu (NM_001322151.2, NM_001322152.2, NM_001322157.3 and 7 more transcripts); c.-357C>T (NM_001322154.2); c.122C>T, p.Pro41Leu (NM_001322156.2, NM_001322158.2); c.332C>T, p.Pro111Leu (NM_001322164.2); short protein forms P111L, P41L, P99L.
Identifiers: ClinVar variation 2635825 (VCV002635825.1), dbSNP rs2551084261, ClinGen allele CA392787749.

ClinVar aggregate classification (germline): Uncertain significance (1 of 4 stars; one submission).

Conditions:
TCF12-related disorder. Also called: TCF12-related condition.

Allele frequency attached by ClinVar (database versions not stated): gnomAD exomes below 0.00001.
gnomAD v4.1: 1 of 1,613,742 alleles (0.000062%); no homozygotes.

Submission:

PreventionGenetics, part of Exact Sciences
Classification: Uncertain significance for TCF12-related condition. Last evaluated: 2022-09-15. Review status: criteria provided, single submitter. Criteria: ACMG Guidelines, 2015. Collection method: clinical testing. Allele origin: germline.
Comment: The TCF12 c.296C>T variant is predicted to result in the amino acid substitution p.Pro99Leu. To our knowledge, this variant has not been reported in the literature or in a large population database, indicating this variant is rare. At this time, the clinical significance of this variant is uncertain due to the absence of conclusive functional and genetic evidence.